The following is an entry in ClinVar:

ClinVar aggregate classification (germline): Uncertain significance (1 of 4 stars; one submission).

Submission:

Labcorp Genetics (formerly Invitae), Labcorp
Classification: Uncertain significance. Last evaluated: 2025-06-01. Review status: criteria provided, single submitter. Criteria: Invitae Variant Classification Sherloc (09022015). Collection method: clinical testing. Allele origin: germline.
Comment: This sequence change replaces threonine, which is neutral and polar, with serine, which is neutral and polar, at codon 287 of the GATAD2B protein (p.Thr287Ser). This variant is not present in population databases (gnomAD no frequency). This variant has not been reported in the literature in individuals affected with GATAD2B-related conditions. ClinVar contains an entry for this variant (Variation ID: 2054100). Invitae Evidence Modeling of protein sequence and biophysical properties (such as structural, functional, and spatial information, amino acid conservation, physicochemical variation, residue mobility, and thermodynamic stability) indicates that this missense variant is not expected to disrupt GATAD2B protein function with a negative predictive value of 80%. In summary, the available evidence is currently insufficient to determine the role of this variant in disease. Therefore, it has been classified as a Variant of Uncertain Significance.

NM_020699.4(GATAD2B):c.860C>G (p.Thr287Ser)

Gene: GATAD2B (GATA zinc finger domain containing 2B; minus strand). Cytogenetic location: 1q21.3.
Variant type: single nucleotide variant.
Coding change: c.860C>G on transcript NM_020699.4 (MANE Select); coding-DNA position 860, C replaced by G.
Protein change: p.Thr287Ser; replaces threonine 287 with serine.
Molecular consequence: missense variant.
Genome position (GRCh38, 1-based): chr1:153,817,412, G>C on the plus strand (C>G on the coding strand, the complement: GATAD2B is on the minus strand). VCF-style: chr1-153817412-G-C. GRCh37 (hg19) VCF-style: chr1-153789888-G-C.
Other names: short protein forms T287S.
Identifiers: ClinVar variation 2054100 (VCV002054100.4), dbSNP rs2525252374, ClinGen allele CA342529905.